The following is an entry in ClinVar:

NM_001040108.2(MLH3):c.1877C>A (p.Ser626Ter)

Gene: MLH3 (mutL homolog 3; minus strand). Cytogenetic location: 14q24.3.
Variant type: single nucleotide variant.
Coding change: c.1877C>A on transcript NM_001040108.2 (MANE Select); coding-DNA position 1877, C replaced by A.
Protein change: p.Ser626Ter; replaces serine 626 with a stop codon.
Molecular consequence: nonsense.
Genome position (GRCh38, 1-based): chr14:75,047,779, G>T on the plus strand (C>A on the coding strand, the complement: MLH3 is on the minus strand). VCF-style: chr14-75047779-G-T. GRCh37 (hg19) VCF-style: chr14-75514482-G-T.
Other names: c.1877C>A, p.Ser626Ter (NM_014381.3); short protein forms S626*.
Identifiers: ClinVar variation 1781796 (VCV001781796.4), dbSNP rs370383198, ClinGen allele CA390443952.

ClinVar aggregate classification (germline): Pathogenic. Review status: criteria provided, multiple submitters, no conflicts (2 of 4 stars). 2 submissions from 2 submitters: Pathogenic (2). Last evaluated 2026-06-03.

Conditions:
Colorectal cancer, hereditary nonpolyposis, type 7. Identifiers: Orphanet 144, MedGen C1858380, MONDO:0013725, OMIM 614385.

gnomAD v4.1: 1 of 1,613,940 alleles (0.000062%); highest among the groups gnomAD compares: Non-Finnish European, 0.000085%; no homozygotes.

Submissions (2):

Ambry Genetics
Classification: Pathogenic. Last evaluated: 2026-06-03. Review status: criteria provided, single submitter. Criteria: Ambry Variant Classification Scheme 2023. Collection method: clinical testing. Allele origin: germline.
Comment: The p.S626* pathogenic mutation (also known as c.1877C>A), located in coding exon 1 of the MLH3 gene, results from a C to A substitution at nucleotide position 1877. This changes the amino acid from a serine to a stop codon within coding exon 1. This variant is considered to be rare based on population cohorts in the Genome Aggregation Database (gnomAD). This alteration is expected to result in loss of function by premature protein truncation or nonsense-mediated mRNA decay. As such, this alteration is interpreted as a disease-causing mutation.

Myriad Genetics, Inc.
Classification: Pathogenic for Colorectal cancer, hereditary nonpolyposis, type 7. Last evaluated: 2026-05-07. Review status: criteria provided, single submitter. Criteria: Myriad Autosomal Dominant, Autosomal Recessive and X-Linked Classification Criteria (2023). Collection method: clinical testing. Allele origin: unknown.
Comment: This variant is considered pathogenic. This variant creates a termination codon and is predicted to result in premature protein truncation.